The following is an entry in ClinVar:

ClinVar aggregate classification (germline): Uncertain significance (1 of 4 stars; one submission).

Conditions:
Nephronophthisis. Also called: Juvenile Nephronophthisis. Identifiers: Orphanet 655, MedGen C0687120, MONDO:0019005, HP:0000090.

gnomAD v4.1: 1 of 1,613,474 alleles (0.000062%); highest among the groups gnomAD compares: Non-Finnish European, 0.000085%; no homozygotes.

Submission:

Labcorp Genetics (formerly Invitae), Labcorp
Classification: Uncertain significance for Nephronophthisis. Last evaluated: 2023-08-04. Review status: criteria provided, single submitter. Criteria: Invitae Variant Classification Sherloc (09022015). Collection method: clinical testing. Allele origin: germline.
Comment: Advanced modeling of protein sequence and biophysical properties (such as structural, functional, and spatial information, amino acid conservation, physicochemical variation, residue mobility, and thermodynamic stability) performed at Invitae indicates that this missense variant is not expected to disrupt NPHP3 protein function. ClinVar contains an entry for this variant (Variation ID: 2163935). This variant has not been reported in the literature in individuals affected with NPHP3-related conditions. This variant is not present in population databases (gnomAD no frequency). This sequence change replaces leucine, which is neutral and non-polar, with glutamine, which is neutral and polar, at codon 824 of the NPHP3 protein (p.Leu824Gln). In summary, the available evidence is currently insufficient to determine the role of this variant in disease. Therefore, it has been classified as a Variant of Uncertain Significance.

NM_153240.5(NPHP3):c.2471T>A (p.Leu824Gln)

Genes: NPHP3 (nephrocystin 3; minus strand), NPHP3-ACAD11 (NPHP3-ACAD11 readthrough (NMD candidate); minus strand). Cytogenetic location: 3q22.1.
Variant type: single nucleotide variant.
Coding change: c.2471T>A on transcript NM_153240.5 (MANE Select); coding-DNA position 2471, T replaced by A.
Protein change: p.Leu824Gln; replaces leucine 824 with glutamine.
Molecular consequence: missense variant. On other transcripts: non-coding transcript variant (1).
Genome position (GRCh38, 1-based): chr3:132,692,658, A>T on the plus strand (T>A on the coding strand, the complement: NPHP3 is on the minus strand). VCF-style: chr3-132692658-A-T. GRCh37 (hg19) VCF-style: chr3-132411502-A-T.
Other names: short protein forms L824Q.
Identifiers: ClinVar variation 2163935 (VCV002163935.3), dbSNP rs1211967673, ClinGen allele CA354581238.
Genomic context (GRCh38, chr3:132,692,658, plus strand): 5'-AGAGAAGACCCTGTTTCTTAAATAAATAAATAAAAAGATGCCTAAAATAACATTACCTGC[A>T]GATGTTGAAACCTAAGCAAGCCACATCCATAAGTCAACAAACACATTTTGTATAAACTGT-3'
Protein context (NP_694972.3, residues 814-834): YGCGLLRFQH[Leu824Gln]QAWETVRLEY